The following is an entry in ClinVar:

ClinVar aggregate classification (germline): Pathogenic (1 of 4 stars; one submission).

Conditions:
DYRK1A-related intellectual disability syndrome (MRD7). Also called: DYRK1A Syndrome; Intellectual developmental disorder, autosomal dominant 7. Identifiers: Orphanet 464306, MedGen C5568143, MONDO:0013578, OMIM 614104.

Submission:

Labcorp Genetics (formerly Invitae), Labcorp
Classification: Pathogenic for DYRK1A-related intellectual disability syndrome. Last evaluated: 2023-03-04. Review status: criteria provided, single submitter. Criteria: Invitae Variant Classification Sherloc (09022015). Collection method: clinical testing. Allele origin: germline.
Comment: This variant is not present in population databases (gnomAD no frequency). This variant has not been reported in the literature in individuals affected with DYRK1A-related conditions. For these reasons, this variant has been classified as Pathogenic. This sequence change creates a premature translational stop signal (p.His223Profs*17) in the DYRK1A gene. It is expected to result in an absent or disrupted protein product. Loss-of-function variants in DYRK1A are known to be pathogenic (PMID: 25944381).

Literature cited by the submitters: PubMed 25944381.

NM_001347721.2(DYRK1A):c.640dup (p.His214fs)

Gene: DYRK1A (dual specificity tyrosine phosphorylation regulated kinase 1A; plus strand). Cytogenetic location: 21q22.13.
Variant type: Duplication.
Coding change: c.640dup on transcript NM_001347721.2 (MANE Select); coding-DNA position 640, one base duplicated (C; older notation c.640dupC).
Protein change: p.His214fs; shifts the reading frame from histidine 214.
Molecular consequence: frameshift variant.
Genome position (GRCh38, 1-based): chr21:37,490,177, C duplicated. VCF-style (leftmost placement, unchanged base first): chr21-37490176-G-GC. GRCh37 (hg19) VCF-style: chr21-38862478-G-GC.
Other names: c.640dup, p.His214fs (NM_001347722.2, NM_130436.2); c.553dup, p.His185fs (NM_001347723.2); c.667dup, p.His223fs (NM_001396.5, NM_101395.2, NM_130438.2); short protein forms H185fs, H214fs, H223fs.
Identifiers: ClinVar variation 2842962 (VCV002842962.3), dbSNP rs2518027620, ClinGen allele CA2739267635.